The following is an entry in ClinVar:

ClinVar aggregate classification (germline): Uncertain significance (1 of 4 stars; one submission).

Allele frequency attached by ClinVar (database versions not stated): TOPMed 0.00002; gnomAD exomes 0.00003; ExAC 0.00004; gnomAD 0.00002.
gnomAD v4.1: 46 of 1,613,912 alleles (0.0029%); highest among the groups gnomAD compares: Non-Finnish European, 0.0037%; no homozygotes.

Submission:

Labcorp Genetics (formerly Invitae), Labcorp
Classification: Uncertain significance. Last evaluated: 2025-12-21. Review status: criteria provided, single submitter. Criteria: Invitae Variant Classification Sherloc (09022015). Collection method: clinical testing. Allele origin: germline.
Comment: This sequence change replaces arginine, which is basic and polar, with glutamine, which is neutral and polar, at codon 1146 of the ERBIN protein (p.Arg1146Gln). This variant is present in population databases (rs779900837, gnomAD 0.006%). This missense change has been observed in individual(s) with clinical features consistent with autism spectrum disorder (PMID: 28191889). ClinVar contains an entry for this variant (Variation ID: 2718751). An algorithm developed to predict the effect of missense changes on protein structure and function (PolyPhen-2) suggests that this variant is likely to be disruptive. In summary, the available evidence is currently insufficient to determine the role of this variant in disease. Therefore, it has been classified as a Variant of Uncertain Significance.

Literature cited by the submitters: PubMed 28191889.

NM_001253697.2(ERBIN):c.3437G>A (p.Arg1146Gln)

Gene: ERBIN (erbb2 interacting protein; plus strand). Cytogenetic location: 5q12.3.
Variant type: single nucleotide variant.
Coding change: c.3437G>A on transcript NM_001253697.2 (MANE Select); coding-DNA position 3437, G replaced by A.
Protein change: p.Arg1146Gln; replaces arginine 1146 with glutamine.
Molecular consequence: missense variant.
Genome position (GRCh38, 1-based): chr5:66,054,755, G>A. VCF-style: chr5-66054755-G-A. GRCh37 (hg19) VCF-style: chr5-65350583-G-A.
Other names: c.3437G>A, p.Arg1146Gln (NM_001006600.3, NM_001253698.2, NM_001253699.2 and 1 more transcripts); c.3425G>A, p.Arg1142Gln (NM_001253701.2); short protein forms R1142Q, R1146Q.
Identifiers: ClinVar variation 2718751 (VCV002718751.3), dbSNP rs779900837, ClinGen allele CA3286658.